The following is an entry in ClinVar:

ClinVar aggregate classification (germline): Uncertain significance. Review status: criteria provided, multiple submitters, no conflicts (2 of 4 stars). 5 submissions from 5 submitters: Uncertain significance (5). Last evaluated 2025-10-14.

Conditions:
Arrhythmogenic right ventricular dysplasia 9 (ARVD9). Also called: Arrhythmogenic Right Ventricular Dysplasia/Cardiomyopathy 9; ARRHYTHMOGENIC RIGHT VENTRICULAR DYSPLASIA, FAMILIAL, 9. Identifiers: MedGen C1836906, MONDO:0012180, OMIM 609040.
Cardiovascular phenotype. Identifiers: MedGen CN230736.
Cardiomyopathy (CMYO). Also called: Cardiomyopathies. Identifiers: Orphanet 167848, MedGen C0878544, MONDO:0004994, HP:0001638. Inheritance: Various modes of inheritance.

Submissions (5):

Labcorp Genetics (formerly Invitae), Labcorp
Classification: Uncertain significance for Arrhythmogenic right ventricular dysplasia 9. Last evaluated: 2025-10-14. Review status: criteria provided, single submitter. Criteria: Invitae Variant Classification Sherloc (09022015). Collection method: clinical testing. Allele origin: germline.
Comment: This sequence change replaces arginine, which is basic and polar, with proline, which is neutral and non-polar, at codon 388 of the PKP2 protein (p.Arg388Pro). This variant is not present in population databases (gnomAD no frequency). This missense change has been observed in individual(s) with arrhythmogenic right ventricular cardiomyopathy (internal data). ClinVar contains an entry for this variant (Variation ID: 919609). An algorithm developed to predict the effect of missense changes on protein structure and function (PolyPhen-2) suggests that this variant is likely to be disruptive. This variant disrupts the Arg388 amino acid residue in PKP2. Other variant(s) that disrupt this residue have been determined to be pathogenic (PMID: 19880068, 20152563, 24967631). This suggests that this residue is clinically significant, and that variants that disrupt this residue are likely to be disease-causing. In summary, the available evidence is currently insufficient to determine the role of this variant in disease. Therefore, it has been classified as a Variant of Uncertain Significance.

Molecular Diagnostic Laboratory for Inherited Cardiovascular Disease, Montreal Heart Institute
Classification: Uncertain significance for Cardiovascular phenotype. Last evaluated: 2025-04-09. Review status: criteria provided, single submitter. Criteria: ACMG Guidelines, 2015. Collection method: clinical testing. Allele origin: germline. Affected: yes.
Comment: PM2;PM5_supp;PP2;PP3

Victorian Clinical Genetics Services, Murdoch Childrens Research Institute
Classification: Uncertain significance for Arrhythmogenic right ventricular dysplasia 9. Last evaluated: 2022-02-02. Review status: criteria provided, single submitter. Criteria: ACMG Guidelines, 2015. Collection method: clinical testing. Allele origin: germline. Inheritance: Autosomal dominant inheritance. Affected: yes.
Comment: Based on the classification scheme VCGS_Germline_v1.3.4, this variant is classified as VUS-3A. Following criteria are met: 0102 - Loss of function is a known mechanism of disease in this gene and is associated with arrhythmogenic right ventricular dysplasia 9 (ARVD9; MIM#609040). (I) 0107 - This gene is associated with autosomal dominant disease. (I) 0112 - The condition associated with this gene has incomplete penetrance (PMID: 17010805, 23183494). (I) 0115 - Variants in this gene are known to have variable expressivity (PMID: 17010805, 23183494). (I) 0200 - Variant is predicted to result in a missense amino acid change from arginine to proline. (I) 0251 - This variant is heterozygous. (I) 0301 - Variant is absent from gnomAD (both v2 and v3). (SP) 0309 - An alternative amino acid change at the same position has been observed in gnomAD (v2) (highest allele count: 3 heterozygotes, 0 homozygotes). (I) 0501 - Missense variant consistently predicted to be damaging by multiple in silico tools or highly conserved with a major amino acid change. (SP) 0600 - Variant is located in the annotated ARM 2 repeat (UniProt). (I) 0703 - Another missense variant comparable to the one identified in this case has moderate previous evidence for pathogenicity. An alternative change to a tryptophan has been reported multiple times in individuals with arrhythmogenic right ventricular dysplasia (ClinVar). (SP) 0809 - Previous evidence of pathogenicity for this variant is inconclusive. This variant has been reported multiple times as VUS in ClinVar. (I) 0905 - No published segregation evidence has been identified for this variant. (I) 1007 - No published functional evidence has been identified for this variant. (I) 1208 - Inheritance information for this variant is not currently available in this individual. (I) Legend: (SP) - Supporting pathogenic, (I) - Information, (SB) - Supporting benign

GeneDx
Classification: Uncertain significance. Last evaluated: 2019-09-09. Review status: criteria provided, single submitter. Criteria: GeneDx Variant Classification Process June 2021. Collection method: clinical testing. Allele origin: germline. Affected: yes.
Comment: Has not been previously published as pathogenic or benign to our knowledge; Not observed in large population cohorts (Lek et al., 2016); In silico analysis, which includes protein predictors and evolutionary conservation, supports a deleterious effect

Color Diagnostics, LLC DBA Color Health
Classification: Uncertain significance for Cardiomyopathy. Last evaluated: 2019-07-20. Review status: criteria provided, single submitter. Criteria: ACMG Guidelines, 2015. Collection method: clinical testing. Allele origin: germline.
Comment: This missense variant replaces arginine with proline at codon 388 of the PKP2 protein. Computational prediction tools and conservation analyses are inconclusive regarding the impact of this variant on the protein function. Computational splicing tools suggest that this variant may not impact RNA splicing. To our knowledge, functional assays have not been performed for this variant nor has this variant been reported in individuals affected with cardiovascular disorders in the literature. This variant has not been identified in the general population by the Genome Aggregation Database (gnomAD). Available evidence is insufficient to determine the role of this variant in disease conclusively. Therefore, this variant is classified as a Variant of Uncertain Significance.

Literature cited by the submitters: PubMed 19880068 (cited by Labcorp Genetics (formerly Invitae), Labcorp); PubMed 20152563 (cited by Labcorp Genetics (formerly Invitae), Labcorp); PubMed 24967631 (cited by Labcorp Genetics (formerly Invitae), Labcorp); PubMed 17010805 (cited by Victorian Clinical Genetics Services, Murdoch Childrens Research Institute); PubMed 23183494 (cited by Victorian Clinical Genetics Services, Murdoch Childrens Research Institute).

NM_001005242.3(PKP2):c.1163G>C (p.Arg388Pro)

Gene: PKP2 (plakophilin 2; minus strand). Cytogenetic location: 12p11.21.
Variant type: single nucleotide variant.
Coding change: c.1163G>C on transcript NM_001005242.3 (MANE Select); coding-DNA position 1163, G replaced by C.
Protein change: p.Arg388Pro; replaces arginine 388 with proline.
Molecular consequence: missense variant.
Genome position (GRCh38, 1-based): chr12:32,868,934, C>G on the plus strand (G>C on the coding strand, the complement: PKP2 is on the minus strand). VCF-style: chr12-32868934-C-G. GRCh37 (hg19) VCF-style: chr12-33021868-C-G.
Other names: c.1163G>C, p.Arg388Pro (NM_004572.4); c.1163G>C (NM_001005242.2); short protein forms R388P.
Identifiers: ClinVar variation 919609 (VCV000919609.15), dbSNP rs756000218, ClinGen allele CA384358958.